The following is an entry in ClinVar:

ClinVar aggregate classification (germline): Uncertain significance (1 of 4 stars; one submission).

Conditions:
Lipoic acid synthetase deficiency. Also called: HYPERGLYCINEMIA, LACTIC ACIDOSIS, AND SEIZURES. Identifiers: Orphanet 401859, MedGen C3280887, MONDO:0013762, OMIM 614462.

Submission:

Labcorp Genetics (formerly Invitae), Labcorp
Classification: Uncertain significance for Lipoic acid synthetase deficiency. Last evaluated: 2019-02-18. Review status: criteria provided, single submitter. Criteria: Invitae Variant Classification Sherloc (09022015). Collection method: clinical testing. Allele origin: germline.
Comment: In summary, the available evidence is currently insufficient to determine the role of this variant in disease. Therefore, it has been classified as a Variant of Uncertain Significance. Algorithms developed to predict the effect of missense changes on protein structure and function output the following: SIFT: "Tolerated"; PolyPhen-2: "Benign"; Align-GVGD: "Class C0". The glutamic acid amino acid residue is found in multiple mammalian species, suggesting that this missense change does not adversely affect protein function. These predictions have not been confirmed by published functional studies and their clinical significance is uncertain. This variant has not been reported in the literature in individuals with LIAS-related conditions. This variant is not present in population databases (ExAC no frequency). This sequence change replaces lysine with glutamic acid at codon 294 of the LIAS protein (p.Lys294Glu). The lysine residue is highly conserved and there is a small physicochemical difference between lysine and glutamic acid.

NM_006859.4(LIAS):c.880A>G (p.Lys294Glu)

Gene: LIAS (lipoic acid synthetase; plus strand). Cytogenetic location: 4p14.
Variant type: single nucleotide variant.
Coding change: c.880A>G on transcript NM_006859.4 (MANE Select); coding-DNA position 880, A replaced by G.
Protein change: p.Lys294Glu; replaces lysine 294 with glutamic acid.
Molecular consequence: missense variant.
Genome position (GRCh38, 1-based): chr4:39,470,161, A>G. VCF-style: chr4-39470161-A-G. GRCh37 (hg19) VCF-style: chr4-39471781-A-G.
Other names: c.751A>G, p.Lys251Glu (NM_001278590.2); c.571A>G, p.Lys191Glu (NM_001363700.2); c.880A>G, p.Lys294Glu (NM_194451.3); short protein forms K191E, K251E, K294E.
Identifiers: ClinVar variation 854931 (VCV000854931.9), dbSNP rs1744930458, ClinGen allele CA356665435.